The following is an entry in ClinVar:

ClinVar aggregate classification (germline): Uncertain significance. Review status: criteria provided, single submitter (1 of 4 stars). 2 submissions from 2 submitters: Uncertain significance (1). 1 of the submissions does not count toward it. Last evaluated 2025-08-15.

Conditions:
3-methylcrotonyl-CoA carboxylase 2 deficiency. Also called: METHYLCROTONYLGLYCINURIA, TYPE II; 3 alpha methylcrotonyl-CoA carboxylase 2 deficiency; 3 alpha methylcrotonylglycinuria 2; MCC 2 deficiency; Methylcrotonylglycinuria type 2. Identifiers: Orphanet 6, MedGen C1859499, MONDO:0008862, OMIM 210210.

Allele frequency attached by ClinVar (database versions not stated): gnomAD 0.00001; gnomAD exomes 0.00001; TOPMed 0.00001; ExAC 0.00002; ESP Exome Variant Server 0.00015.
gnomAD v4.1: 4 of 1,614,068 alleles (0.00025%); highest among the groups gnomAD compares: African/African-American, 0.0053%; no homozygotes.

Submissions (2):

Labcorp Genetics (formerly Invitae), Labcorp
Classification: Uncertain significance for 3-methylcrotonyl-CoA carboxylase 2 deficiency. Last evaluated: 2025-08-15. Review status: criteria provided, single submitter. Criteria: Invitae Variant Classification Sherloc (09022015). Collection method: clinical testing. Allele origin: germline.
Comment: This sequence change replaces leucine, which is neutral and non-polar, with proline, which is neutral and non-polar, at codon 284 of the MCCC2 protein (p.Leu284Pro). This variant is present in population databases (rs376237028, gnomAD 0.02%). This variant has not been reported in the literature in individuals affected with MCCC2-related conditions. ClinVar contains an entry for this variant (Variation ID: 1061496). Invitae Evidence Modeling of protein sequence and biophysical properties (such as structural, functional, and spatial information, amino acid conservation, physicochemical variation, residue mobility, and thermodynamic stability) indicates that this missense variant is expected to disrupt MCCC2 protein function with a positive predictive value of 80%. In summary, the available evidence is currently insufficient to determine the role of this variant in disease. Therefore, it has been classified as a Variant of Uncertain Significance.

Natera, Inc.
Classification: Uncertain significance for 3-methylcrotonyl-CoA carboxylase 2 deficiency. Last evaluated: 2021-04-16. Review status: no assertion criteria provided. Collection method: clinical testing. Allele origin: germline. Not counted in ClinVar's aggregate classification.

NM_022132.5(MCCC2):c.851T>C (p.Leu284Pro)

Gene: MCCC2 (methylcrotonyl-CoA carboxylase subunit 2; plus strand). Cytogenetic location: 5q13.2.
Variant type: single nucleotide variant.
Coding change: c.851T>C on transcript NM_022132.5 (MANE Select); coding-DNA position 851, T replaced by C.
Protein change: p.Leu284Pro; replaces leucine 284 with proline.
Molecular consequence: missense variant.
Genome position (GRCh38, 1-based): chr5:71,634,990, T>C. VCF-style: chr5-71634990-T-C. GRCh37 (hg19) VCF-style: chr5-70930817-T-C.
Other names: c.737T>C, p.Leu246Pro (NM_001363147.1); short protein forms L246P, L284P.
Identifiers: ClinVar variation 1061496 (VCV001061496.13), dbSNP rs376237028, ClinGen allele CA3297905.